The following is an entry in ClinVar:

NM_002693.3(POLG):c.3488T>A (p.Met1163Lys)

Gene: POLG (DNA polymerase gamma, catalytic subunit; minus strand). Cytogenetic location: 15q26.1.
Variant type: single nucleotide variant.
Coding change: c.3488T>A on transcript NM_002693.3 (MANE Select); coding-DNA position 3488, T replaced by A.
Protein change: p.Met1163Lys; replaces methionine 1163 with lysine.
Molecular consequence: missense variant.
Genome position (GRCh38, 1-based): chr15:89,317,531, A>T on the plus strand (T>A on the coding strand, the complement: POLG is on the minus strand). VCF-style: chr15-89317531-A-T. GRCh37 (hg19) VCF-style: chr15-89860762-A-T.
Other names: c.3488T>A, p.Met1163Lys (NM_001126131.2); short protein forms M1163K.
Identifiers: ClinVar variation 2585021 (VCV002585021.1), dbSNP rs113994100, ClinGen allele CA393748190.

ClinVar aggregate classification (germline): Uncertain significance (1 of 4 stars; one submission).

Conditions:
Progressive external ophthalmoplegia with mitochondrial DNA deletions, autosomal dominant 1 (PEOA1). Also called: Autosomal Dominant Progressive External Ophthalmoplegia (adPEO); PROGRESSIVE EXTERNAL OPHTHALMOPLEGIA, AUTOSOMAL DOMINANT 1. Identifiers: MedGen C1834846, MONDO:0024528, OMIM 157640.

Submission:

Neuberg Centre For Genomic Medicine, NCGM
Classification: Uncertain significance for Progressive external ophthalmoplegia with mitochondrial DNA deletions, autosomal dominant 1. Review status: criteria provided, single submitter. Criteria: ACMG Guidelines, 2015. Collection method: clinical testing. Allele origin: germline. Inheritance: Autosomal dominant inheritance. Affected: yes.
Comment: The missense variant c.3488T>A (p.Met1163Lys) in POLG gene has not been reported previously as a pathogenic variant nor as a benign variant, to our knowledge. The p.Met1163Lys variant is novel (not in any individuals) in gnomAD exomes and 1000 Genomes. This variant has not been reported to the ClinVar database. The amino acid Met at position 1163 is changed to a Lys changing protein sequence and it might alter its composition and physico-chemical properties.The amino acid change p.Met1163Lys in POLG is predicted as conserved by GERP++ and PhyloP across 100 vertebrates. For these reasons, this variant has been classified as Uncertain Significance (VUS).